The following is an entry in ClinVar:

ClinVar aggregate classification (germline): Uncertain significance (1 of 4 stars; one submission).

Submission:

GeneDx
Classification: Uncertain significance. Last evaluated: 2024-03-14. Review status: criteria provided, single submitter. Criteria: GeneDx Variant Classification Process June 2021. Collection method: clinical testing. Allele origin: germline. Affected: yes.
Comment: Not observed at significant frequency in large population cohorts (gnomAD); In silico analysis supports that this missense variant does not alter protein structure/function; Has not been previously published as pathogenic or benign to our knowledge

NM_005862.3(STAG1):c.101A>G (p.Lys34Arg)

Gene: STAG1 (STAG1 cohesin complex component; minus strand). Cytogenetic location: 3q22.3.
Variant type: single nucleotide variant.
Coding change: c.101A>G on transcript NM_005862.3 (MANE Select); coding-DNA position 101, A replaced by G.
Protein change: p.Lys34Arg; replaces lysine 34 with arginine.
Molecular consequence: missense variant.
Genome position (GRCh38, 1-based): chr3:136,623,177, T>C on the plus strand (A>G on the coding strand, the complement: STAG1 is on the minus strand). VCF-style: chr3-136623177-T-C. GRCh37 (hg19) VCF-style: chr3-136342019-T-C.
Other names: short protein forms K34R.
Identifiers: ClinVar variation 3342497 (VCV003342497.1).